The following is an entry in ClinVar:

ClinVar aggregate classification (germline): Benign. Review status: criteria provided, single submitter (1 of 4 stars). 3 submissions from 3 submitters: Benign (1). 2 of the submissions do not count toward it. Last evaluated 2026-02-02.

Conditions:
OGDH-related disorder. Also called: OGDH-related condition.
Oxoglutaricaciduria. Identifiers: Orphanet 31, MedGen C2752074, MONDO:0008759, OMIM 203740.

Allele frequency attached by ClinVar (database versions not stated): gnomAD 0.03755 and 0.03970; TOPMed 0.03899; ESP Exome Variant Server 0.04014; 1000 Genomes Project 30x 0.04653; 1000 Genomes Project 0.04673; gnomAD exomes 0.04852 and 0.05216; ExAC 0.05296.
gnomAD v4.1: 77,402 of 1,612,944 alleles (4.8%); highest among the groups gnomAD compares: Middle Eastern, 9.6%; 2,142 homozygotes.

Submissions (3):

Labcorp Genetics (formerly Invitae), Labcorp
Classification: Benign for Oxoglutaricaciduria. Last evaluated: 2026-02-02. Review status: criteria provided, single submitter. Criteria: Invitae Variant Classification Sherloc (09022015). Collection method: clinical testing. Allele origin: germline.

PreventionGenetics, part of Exact Sciences
Classification: Benign for OGDH-related condition. Last evaluated: 2019-12-12. Review status: no assertion criteria provided. Collection method: clinical testing. Allele origin: germline. Not counted in ClinVar's aggregate classification.
Comment: This variant is classified as benign based on ACMG/AMP sequence variant interpretation guidelines (Richards et al. 2015 PMID: 25741868, with internal and published modifications).

Mayo Clinic Laboratories, Mayo Clinic
Classification: Benign. Last evaluated: 2016-02-22. Review status: no assertion criteria provided. Collection method: clinical testing. Allele origin: unknown. Not counted in ClinVar's aggregate classification.

NM_002541.4(OGDH):c.3063C>T (p.Asn1021=)

Gene: OGDH (oxoglutarate dehydrogenase; plus strand). Cytogenetic location: 7p13.
Variant type: single nucleotide variant.
Coding change: c.3063C>T on transcript NM_002541.4 (MANE Select); coding-DNA position 3063, C replaced by T.
Protein change: p.Asn1021=; no amino-acid change (asparagine 1021 retained).
Molecular consequence: synonymous variant.
Genome position (GRCh38, 1-based): chr7:44,707,990, C>T. VCF-style: chr7-44707990-C-T. GRCh37 (hg19) VCF-style: chr7-44747589-C-T.
Other names: c.3096C>T (NM_001363523.1); c.3051C>T, p.Asn1017= (NM_001165036.2); c.3096C>T, p.Asn1032= (NM_001363523.2).
Identifiers: ClinVar variation 559276 (VCV000559276.14), dbSNP rs61756584, ClinGen allele CA4244292.